The following is an entry in ClinVar:

ClinVar aggregate classification (germline): Uncertain significance (1 of 4 stars; one submission).

Conditions:
Nephronophthisis. Also called: Juvenile Nephronophthisis. Identifiers: Orphanet 655, MedGen C0687120, MONDO:0019005, HP:0000090.

Submission:

Labcorp Genetics (formerly Invitae), Labcorp
Classification: Uncertain significance for Nephronophthisis. Last evaluated: 2022-02-10. Review status: criteria provided, single submitter. Criteria: Invitae Variant Classification Sherloc (09022015). Collection method: clinical testing. Allele origin: germline.
Comment: In summary, the available evidence is currently insufficient to determine the role of this variant in disease. Therefore, it has been classified as a Variant of Uncertain Significance. Algorithms developed to predict the effect of missense changes on protein structure and function output the following: SIFT: "Tolerated"; PolyPhen-2: "Benign"; Align-GVGD: "Class C0". The glutamine amino acid residue is found in multiple mammalian species, which suggests that this missense change does not adversely affect protein function. ClinVar contains an entry for this variant (Variation ID: 1034562). This variant has not been reported in the literature in individuals affected with NPHP4-related conditions. This variant is not present in population databases (gnomAD no frequency). This sequence change replaces glutamic acid, which is acidic and polar, with glutamine, which is neutral and polar, at codon 978 of the NPHP4 protein (p.Glu978Gln).

NM_015102.5(NPHP4):c.2932G>C (p.Glu978Gln)

Gene: NPHP4 (nephrocystin 4; minus strand). Cytogenetic location: 1p36.31.
Variant type: single nucleotide variant.
Coding change: c.2932G>C on transcript NM_015102.5 (MANE Select); coding-DNA position 2932, G replaced by C.
Protein change: p.Glu978Gln; replaces glutamic acid 978 with glutamine.
Molecular consequence: missense variant. On other transcripts: non-coding transcript variant (1).
Genome position (GRCh38, 1-based): chr1:5,874,986, C>G on the plus strand (G>C on the coding strand, the complement: NPHP4 is on the minus strand). VCF-style: chr1-5874986-C-G. GRCh37 (hg19) VCF-style: chr1-5935046-C-G.
Other names: c.1393G>C, p.Glu465Gln (NM_001291593.2); c.1396G>C, p.Glu466Gln (NM_001291594.2); short protein forms E978Q, E465Q, E466Q.
Identifiers: ClinVar variation 1034562 (VCV001034562.10), dbSNP rs1281788268, ClinGen allele CA338056362.
Genomic context (GRCh38, chr1:5,874,986, plus strand): 5'-GGTTCTTAAGCACAAACTCAAAGAACTCGGCGACCCCCAGCGTGGCGTGGAGCGTGTGCT[C>G]CGTGGTGATGGCCAGGCTCAGCAGGCTGGCGATGCTCTCGGCCTTCGTGCGTTCCCGGTA-3'
Protein context (NP_055917.1, residues 968-988): ASLLSLAITT[Glu978Gln]HTLHATLGVA